The following is an entry in ClinVar:

ClinVar aggregate classification (germline): Uncertain significance (1 of 4 stars; one submission).

Allele frequency attached by ClinVar (database versions not stated): gnomAD 0.00002 and 0.00003; TOPMed 0.00002; gnomAD exomes 0.00003; ExAC 0.00004.
gnomAD v4.1: 42 of 1,613,910 alleles (0.0026%); highest among the groups gnomAD compares: Middle Eastern, 0.017%; no homozygotes.

Submission:

Labcorp Genetics (formerly Invitae), Labcorp
Classification: Uncertain significance. Last evaluated: 2025-09-03. Review status: criteria provided, single submitter. Criteria: Invitae Variant Classification Sherloc (09022015). Collection method: clinical testing. Allele origin: germline.
Comment: This sequence change replaces arginine, which is basic and polar, with cysteine, which is neutral and slightly polar, at codon 153 of the SIAE protein (p.Arg153Cys). This variant is present in population databases (rs775280243, gnomAD 0.007%). This variant has not been reported in the literature in individuals affected with SIAE-related conditions. ClinVar contains an entry for this variant (Variation ID: 1495631). An algorithm developed to predict the effect of missense changes on protein structure and function (PolyPhen-2) suggests that this variant is likely to be disruptive. In summary, the available evidence is currently insufficient to determine the role of this variant in disease. Therefore, it has been classified as a Variant of Uncertain Significance.

NM_170601.5(SIAE):c.457C>T (p.Arg153Cys)

Gene: SIAE (sialic acid acetylesterase; minus strand). Cytogenetic location: 11q24.2.
Variant type: single nucleotide variant.
Coding change: c.457C>T on transcript NM_170601.5 (MANE Select); coding-DNA position 457, C replaced by T.
Protein change: p.Arg153Cys; replaces arginine 153 with cysteine.
Molecular consequence: missense variant.
Genome position (GRCh38, 1-based): chr11:124,654,742, G>A on the plus strand (C>T on the coding strand, the complement: SIAE is on the minus strand). VCF-style: chr11-124654742-G-A. GRCh37 (hg19) VCF-style: chr11-124524638-G-A.
Other names: c.352C>T, p.Arg118Cys (NM_001199922.2); short protein forms R153C, R118C.
Identifiers: ClinVar variation 1495631 (VCV001495631.8), dbSNP rs775280243, ClinGen allele CA6341518.
Genomic context (GRCh38, chr11:124,654,742, plus strand): 5'-CAACCGCAACAAGGTCCTCCAGCTCCTGCTCTGCTTGAATGGGAGAGACAGAGAGGATGC[G>A]GACAGACTGATATGCCGCAGTGTTAGACAACTCCCTTGTAGCATTAAATATCTGGAAAAG-3'
Protein context (NP_733746.1, residues 143-163): LSNTAAYQSV[Arg153Cys]ILSVSPIQAE